The following is an entry in ClinVar:

NM_003119.4(SPG7):c.423G>T (p.Arg141=)

Gene: SPG7 (SPG7 matrix AAA peptidase subunit, paraplegin; plus strand). Cytogenetic location: 16q24.3.
Variant type: single nucleotide variant.
Coding change: c.423G>T on transcript NM_003119.4 (MANE Select); coding-DNA position 423, G replaced by T.
Protein change: p.Arg141=; no amino-acid change (arginine 141 retained).
Molecular consequence: synonymous variant.
Genome position (GRCh38, 1-based): chr16:89,524,052, G>T. VCF-style: chr16-89524052-G-T. GRCh37 (hg19) VCF-style: chr16-89590460-G-T.
Other names: c.423G>T (NM_003119.3); c.423G>T, p.Arg141= (NM_001363850.1, NM_199367.3).
Identifiers: ClinVar variation 1145688 (VCV001145688.9), dbSNP rs777943597, ClinGen allele CA8243634.

ClinVar aggregate classification (germline): Likely benign. Review status: criteria provided, multiple submitters, no conflicts (2 of 4 stars). 2 submissions from 2 submitters: Likely benign (2). Last evaluated 2023-05-30.

Conditions:
Hereditary spastic paraplegia 7 (SPG7). Also called: SPASTIC PARAPLEGIA 7, AUTOSOMAL RECESSIVE, WITH OR WITHOUT CEREBELLAR ATAXIA; SPG7-related neurologic disorder; Spastic paraplegia 7; Hereditary spastic paraplegia Paraplegin type; Autosomal recessive spastic paraplegia type 7. Identifiers: Orphanet 99013, MedGen C1846564, MONDO:0011803, OMIM 607259.

Allele frequency attached by ClinVar (database versions not stated): TOPMed 0.00001; gnomAD 0.00002.
gnomAD v4.1: 8 of 1,613,532 alleles (0.0005%); highest among the groups gnomAD compares: Non-Finnish European, 0.00059%; no homozygotes.

Submissions (2):

Women's Health and Genetics/Laboratory Corporation of America, LabCorp
Classification: Likely benign. Last evaluated: 2023-05-30. Review status: criteria provided, single submitter. Criteria: LabCorp Variant Classification Summary - May 2015. Collection method: clinical testing. Allele origin: germline.
Comment: Variant summary: SPG7 c.423G>T alters a non-conserved nucleotide resulting in a synonymous change. 4/4 computational tools predict no significant impact on normal splicing. However, these predictions have yet to be confirmed by functional studies. The variant allele was found at a frequency of 4e-06 in 250946 control chromosomes (gnomAD). The available data on variant occurrences in the general population are insufficient to allow any conclusion about variant significance. To our knowledge, no occurrence of c.423G>T in individuals affected with Hereditary Spastic Paraplegia 7 and no experimental evidence demonstrating its impact on protein function have been reported. One clinical diagnostic laboratory has submitted clinical-significance assessments for this variant to ClinVar after 2014 without evidence for independent evaluation. One laboratory classified the variant as likely benign. Based on the evidence outlined above, the variant was classified as likely benign.

Labcorp Genetics (formerly Invitae), Labcorp
Classification: Likely benign for Hereditary spastic paraplegia 7. Last evaluated: 2019-09-24. Review status: criteria provided, single submitter. Criteria: Invitae Variant Classification Sherloc (09022015). Collection method: clinical testing. Allele origin: germline.